The following is an entry in ClinVar:

NM_000548.5(TSC2):c.1610_1622del (p.Arg537fs)

Gene: TSC2 (TSC complex subunit 2; plus strand). Cytogenetic location: 16p13.3.
Variant type: Deletion.
Coding change: c.1610_1622del on transcript NM_000548.5 (MANE Select); coding-DNA positions 1610 to 1622, 13 bases deleted (GCTCCCTCTCCCC).
Protein change: p.Arg537fs; shifts the reading frame from arginine 537.
Molecular consequence: frameshift variant.
Genome position (GRCh38, 1-based): chr16:2,065,529-2,065,541, GCTCCCTCTCCCC deleted; deleting any 13 consecutive bases within chr16:2,065,526-2,065,541 gives the same sequence; the c. name uses the placement nearest the transcript's 3' end. VCF-style (leftmost placement, unchanged base first): chr16-2065525-GCCCGCTCCCTCTC-G. GRCh37 (hg19) VCF-style: chr16-2115526-GCCCGCTCCCTCTC-G.
Other names: c.1610_1622del, p.Arg537fs (NM_001077183.3, NM_001114382.3, NM_001363528.2 and 3 more transcripts); c.1499_1511del, p.Arg500fs (NM_001318827.2); c.1463_1475del, p.Arg488fs (NM_001318829.2); c.1010_1022del, p.Arg337fs (NM_001318831.2); c.1643_1655del, p.Arg548fs (NM_001318832.2); short protein forms R337fs, R488fs, R500fs, R548fs, R537fs.
Identifiers: ClinVar variation 65199 (VCV000065199.6), dbSNP rs397515148, ClinGen allele CA015309.

ClinVar aggregate classification (germline): Pathogenic. Review status: criteria provided, single submitter (1 of 4 stars). 2 submissions from 2 submitters: Pathogenic (1). 1 of the submissions does not count toward it. Last evaluated 2022-07-15.

Conditions:
Tuberous sclerosis syndrome (TSC). Also called: Tuberous Sclerosis Complex; Tuberous sclerosis. Identifiers: Orphanet 805, MedGen C0041341, MONDO:0001734.
Tuberous sclerosis 2 (TSC2). Identifiers: Orphanet 805, MedGen C1860707, MONDO:0013199, OMIM 613254.

Submissions (2):

Labcorp Genetics (formerly Invitae), Labcorp
Classification: Pathogenic for Tuberous sclerosis 2. Last evaluated: 2022-07-15. Review status: criteria provided, single submitter. Criteria: Invitae Variant Classification Sherloc (09022015). Collection method: clinical testing. Allele origin: germline.
Comment: For these reasons, this variant has been classified as Pathogenic. ClinVar contains an entry for this variant (Variation ID: 65199). This variant has not been reported in the literature in individuals affected with TSC2-related conditions. This variant is not present in population databases (gnomAD no frequency). This sequence change creates a premature translational stop signal (p.Arg537Hisfs*20) in the TSC2 gene. It is expected to result in an absent or disrupted protein product. Loss-of-function variants in TSC2 are known to be pathogenic (PMID: 10205261, 17304050).

Tuberous sclerosis database (TSC2)
No classification provided. Condition: TSC. Review status: no classification provided. Criteria: Tuberous Sclerosis Database Assertion Criteria 2015. Collection method: curation. Allele origin: germline. Affected: yes. Not counted in ClinVar's aggregate classification.

Literature cited by the submitters: PubMed 10205261 (cited by Labcorp Genetics (formerly Invitae), Labcorp); PubMed 17304050 (cited by Labcorp Genetics (formerly Invitae), Labcorp).